The following is an entry in ClinVar:

NM_207346.3(TSEN54):c.1057C>T (p.Arg353Trp)

Gene: TSEN54 (tRNA splicing endonuclease subunit 54; plus strand). Cytogenetic location: 17q25.1.
Variant type: single nucleotide variant.
Coding change: c.1057C>T on transcript NM_207346.3 (MANE Select); coding-DNA position 1057, C replaced by T.
Protein change: p.Arg353Trp; replaces arginine 353 with tryptophan.
Molecular consequence: missense variant.
Genome position (GRCh38, 1-based): chr17:75,522,138, C>T. VCF-style: chr17-75522138-C-T. GRCh37 (hg19) VCF-style: chr17-73518219-C-T.
Other names: short protein forms R353W.
Identifiers: ClinVar variation 212449 (VCV000212449.19), dbSNP rs200540627, ClinGen allele CA207200.

ClinVar aggregate classification (germline): Uncertain significance. Review status: criteria provided, multiple submitters, no conflicts (2 of 4 stars). 8 submissions from 8 submitters: Uncertain significance (8). Last evaluated 2026-01-10.

Conditions:
TSEN54-related disorder. Also called: TSEN54-related condition.
Inborn genetic diseases. Identifiers: MedGen C0950123, MeSH D030342.
Pontocerebellar hypoplasia type 5 (PCH5). Also called: Pontocerebellar Hypoplasia Type 5 (PCH5). Identifiers: Orphanet 166068, MedGen C1857762, MONDO:0012438, OMIM 610204.

Allele frequency attached by ClinVar (database versions not stated): ESP Exome Variant Server 0.00008; gnomAD exomes 0.00013; TOPMed 0.00021; ExAC 0.00028; 1000 Genomes Project 0.00040; 1000 Genomes Project 30x 0.00047.

Submissions (8):

GeneDx
Classification: Uncertain significance. Last evaluated: 2026-01-10. Review status: criteria provided, single submitter. Criteria: GeneDx Variant Classification Process June 2021. Collection method: clinical testing. Allele origin: germline. Affected: yes.
Comment: In silico analysis supports that this missense variant has a deleterious effect on protein structure/function; Has not been previously published as pathogenic or benign to our knowledge

PreventionGenetics, part of Exact Sciences
Classification: Uncertain significance for TSEN54-related condition. Last evaluated: 2025-09-19. Review status: criteria provided, single submitter. Criteria: ACMG Guidelines, 2015. Collection method: clinical testing. Allele origin: germline.
Comment: The TSEN54 c.1057C>T variant is predicted to result in the amino acid substitution p.Arg353Trp. To our knowledge, this variant has not been reported in the literature. This variant is reported in 0.045% of alleles in individuals of South Asian descent in gnomAD. At this time, the clinical significance of this variant is uncertain due to the absence of conclusive functional and genetic evidence.

Ambry Genetics
Classification: Uncertain significance for Inborn genetic diseases. Last evaluated: 2024-12-02. Review status: criteria provided, single submitter. Criteria: Ambry Variant Classification Scheme 2023. Collection method: clinical testing. Allele origin: germline.

Labcorp Genetics (formerly Invitae), Labcorp
Classification: Uncertain significance. Last evaluated: 2024-05-06. Review status: criteria provided, single submitter. Criteria: Invitae Variant Classification Sherloc (09022015). Collection method: clinical testing. Allele origin: germline.
Comment: This sequence change replaces arginine, which is basic and polar, with tryptophan, which is neutral and slightly polar, at codon 353 of the TSEN54 protein (p.Arg353Trp). This variant is present in population databases (rs200540627, gnomAD 0.05%). This variant has not been reported in the literature in individuals affected with TSEN54-related conditions. ClinVar contains an entry for this variant (Variation ID: 212449). Advanced modeling of protein sequence and biophysical properties (such as structural, functional, and spatial information, amino acid conservation, physicochemical variation, residue mobility, and thermodynamic stability) performed at Invitae indicates that this missense variant is not expected to disrupt TSEN54 protein function with a negative predictive value of 80%. In summary, the available evidence is currently insufficient to determine the role of this variant in disease. Therefore, it has been classified as a Variant of Uncertain Significance.

Blueprint Genetics
Classification: Uncertain significance. Last evaluated: 2023-07-27. Review status: criteria provided, single submitter. Criteria: ACMG Guidelines, 2015. Collection method: clinical testing. Allele origin: germline.

Baylor Genetics
Classification: Uncertain significance for Pontocerebellar hypoplasia type 5. Last evaluated: 2020-01-31. Review status: criteria provided, single submitter. Criteria: ACMG Guidelines, 2015. Collection method: clinical testing. Allele origin: unknown. Affected: yes.
Comment: This variant was determined to be of uncertain significance according to ACMG Guidelines, 2015 [PMID:25741868].

Genetic Services Laboratory, University of Chicago
Classification: Uncertain significance. Last evaluated: 2015-05-20. Review status: criteria provided, single submitter. Criteria: ACMG Guidelines, 2015. Collection method: clinical testing. Allele origin: germline.

Breakthrough Genomics
Classification: Uncertain significance. Review status: criteria provided, single submitter. Criteria: ACMG Guidelines, 2015. Collection method: not provided. Allele origin: germline. Inheritance: Autosomal recessive inheritance. Affected: yes.